The following is an entry in ClinVar:

ClinVar aggregate classification (germline): Likely pathogenic (1 of 4 stars; one submission).

Conditions:
Early-infantile DEE. Also called: Early infantile epileptic encephalopathy with suppression bursts; Early infantile epileptic encephalopathy; Ohtahara syndrome. Identifiers: Orphanet 1934, MedGen C0393706, MONDO:0800491.

Submission:

Labcorp Genetics (formerly Invitae), Labcorp
Classification: Likely pathogenic for Early-infantile DEE. Last evaluated: 2021-07-01. Review status: criteria provided, single submitter. Criteria: Invitae Variant Classification Sherloc (09022015). Collection method: clinical testing. Allele origin: germline.
Comment: This sequence change replaces arginine with proline at codon 560 of the KCNQ2 protein (p.Arg560Pro). The arginine residue is moderately conserved and there is a moderate physicochemical difference between arginine and proline. This variant is not present in population databases (ExAC no frequency). This variant has not been reported in the literature in individuals affected with KCNQ2-related conditions. Advanced modeling of protein sequence and biophysical properties (such as structural, functional, and spatial information, amino acid conservation, physicochemical variation, residue mobility, and thermodynamic stability) performed at Invitae indicates that this missense variant is expected to disrupt KCNQ2 protein function. This variant disrupts the p.Arg560 amino acid residue in KCNQ2. Other variant(s) that disrupt this residue have been determined to be pathogenic (PMID: 22275249, 24318194, 25880994). This suggests that this residue is clinically significant, and that variants that disrupt this residue are likely to be disease-causing. In summary, the currently available evidence indicates that the variant is pathogenic, but additional data are needed to prove that conclusively. Therefore, this variant has been classified as Likely Pathogenic.

Literature cited by the submitters: PubMed 22275249; PubMed 24318194; PubMed 25880994.

NM_172107.4(KCNQ2):c.1679G>C (p.Arg560Pro)

Gene: KCNQ2 (potassium voltage-gated channel subfamily Q member 2; minus strand). Cytogenetic location: 20q13.33.
Variant type: single nucleotide variant.
Coding change: c.1679G>C on transcript NM_172107.4 (MANE Select); coding-DNA position 1679, G replaced by C.
Protein change: p.Arg560Pro; replaces arginine 560 with proline.
Molecular consequence: missense variant.
Genome position (GRCh38, 1-based): chr20:63,413,534, C>G on the plus strand (G>C on the coding strand, the complement: KCNQ2 is on the minus strand). VCF-style: chr20-63413534-C-G. GRCh37 (hg19) VCF-style: chr20-62044887-C-G.
Other names: c.1625G>C, p.Arg542Pro (NM_001382235.1, NM_172106.3); c.1595G>C, p.Arg532Pro (NM_004518.6); c.1586G>C, p.Arg529Pro (NM_172108.5); short protein forms R529P, R542P, R532P, R560P.
Identifiers: ClinVar variation 1469749 (VCV001469749.9), dbSNP rs1057517919, ClinGen allele CA409643820.